The following is an entry in ClinVar:

NM_000038.6(APC):c.4300A>T (p.Ser1434Cys)

Gene: APC (APC regulator of Wnt signaling pathway; plus strand). Cytogenetic location: 5q22.2.
Variant type: single nucleotide variant.
Coding change: c.4300A>T on transcript NM_000038.6 (MANE Select); coding-DNA position 4300, A replaced by T.
Protein change: p.Ser1434Cys; replaces serine 1434 with cysteine.
Molecular consequence: missense variant.
Genome position (GRCh38, 1-based): chr5:112,839,894, A>T. VCF-style: chr5-112839894-A-T. GRCh37 (hg19) VCF-style: chr5-112175591-A-T.
Other names: c.4300A>T, p.Ser1434Cys (NM_001127510.3, NM_001354895.2); c.4246A>T, p.Ser1416Cys (NM_001127511.3); c.4354A>T, p.Ser1452Cys (NM_001354896.2); c.4330A>T, p.Ser1444Cys (NM_001354897.2); c.4225A>T, p.Ser1409Cys (NM_001354898.2); c.4216A>T, p.Ser1406Cys (NM_001354899.2); c.4177A>T, p.Ser1393Cys (NM_001354900.2); c.4123A>T, p.Ser1375Cys (NM_001354901.2); and 5 more; short protein forms S1274C, S1333C, S1409C, S1452C, S1151C, S1308C, S1343C, S1375C.
Identifiers: ClinVar variation 921229 (VCV000921229.11), dbSNP rs1348975737, ClinGen allele CA16030755.
Genomic context (GRCh38, chr5:112,839,894, plus strand): 5'-GTAAGTGGCATTATAAGCCCCAGTGATCTTCCAGATAGCCCTGGACAAACCATGCCACCA[A>T]GCAGAAGTAAAACACCTCCACCACCTCCTCAAACAGCTCAAACCAAGCGAGAAGTACCTA-3'
Protein context (NP_000029.2, residues 1424-1444): PDSPGQTMPP[Ser1434Cys]RSKTPPPPPQ

ClinVar aggregate classification (germline): Uncertain significance. Review status: criteria provided, multiple submitters, no conflicts (2 of 4 stars). 4 submissions from 4 submitters: Uncertain significance (4). Last evaluated 2025-05-19.

Conditions:
Hereditary cancer-predisposing syndrome. Also called: Neoplastic Syndromes, Hereditary; Tumor predisposition; Hereditary Cancer Syndrome; Hereditary neoplastic syndrome. Identifiers: Orphanet 140162, MedGen C0027672, MeSH D009386, MONDO:0015356.
Familial adenomatous polyposis 1 (FAP1). Also called: FAMILIAL ADENOMATOUS POLYPOSIS 1, ATTENUATED; POLYPOSIS, ADENOMATOUS INTESTINAL. Identifiers: MedGen C2713442, MONDO:0021056, OMIM 175100. Disease mechanism: loss of function.

Allele frequency attached by ClinVar (database versions not stated): gnomAD exomes below 0.00001; TOPMed below 0.00001.
gnomAD v4.1: 1 of 1,614,130 alleles (0.000062%); highest among the groups gnomAD compares: Admixed American, 0.0017%; no homozygotes.

Submissions (4):

GeneDx
Classification: Uncertain significance. Last evaluated: 2025-05-19. Review status: criteria provided, single submitter. Criteria: GeneDx Variant Classification Process June 2021. Collection method: clinical testing. Allele origin: germline. Affected: yes.
Comment: Not observed at significant frequency in large population cohorts (gnomAD); In silico analysis supports that this missense variant has a deleterious effect on protein structure/function; Has not been previously published as pathogenic or benign to our knowledge; This variant is associated with the following publications: (PMID: 18199528)

Ambry Genetics
Classification: Uncertain significance for Hereditary cancer-predisposing syndrome. Last evaluated: 2022-04-20. Review status: criteria provided, single submitter. Criteria: Ambry Variant Classification Scheme 2023. Collection method: clinical testing. Allele origin: germline.
Comment: The p.S1434C variant (also known as c.4300A>T), located in coding exon 15 of the APC gene, results from an A to T substitution at nucleotide position 4300. The serine at codon 1434 is replaced by cysteine, an amino acid with dissimilar properties. This amino acid position is conserved. In addition, in silico predictors for this gene do not accurately predict pathogenicity. Since supporting evidence is limited at this time, the clinical significance of this alteration remains unclear.

Labcorp Genetics (formerly Invitae), Labcorp
Classification: Uncertain significance for Familial adenomatous polyposis 1. Last evaluated: 2021-11-24. Review status: criteria provided, single submitter. Criteria: Invitae Variant Classification Sherloc (09022015). Collection method: clinical testing. Allele origin: germline.
Comment: This variant is present in population databases (no rsID available, gnomAD 0.003%). In summary, the available evidence is currently insufficient to determine the role of this variant in disease. Therefore, it has been classified as a Variant of Uncertain Significance. Algorithms developed to predict the effect of missense changes on protein structure and function (SIFT, PolyPhen-2, Align-GVGD) all suggest that this variant is likely to be disruptive. ClinVar contains an entry for this variant (Variation ID: 921229). This variant has not been reported in the literature in individuals affected with APC-related conditions. This sequence change replaces serine, which is neutral and polar, with cysteine, which is neutral and slightly polar, at codon 1434 of the APC protein (p.Ser1434Cys).

Color Diagnostics, LLC DBA Color Health
Classification: Uncertain significance for Hereditary cancer-predisposing syndrome. Last evaluated: 2019-12-13. Review status: criteria provided, single submitter. Criteria: ACMG Guidelines, 2015. Collection method: clinical testing. Allele origin: germline.
Comment: This missense variant replaces serine with cysteine at codon 1434 of the APC protein. Computational prediction is inconclusive regarding the impact of this variant on protein structure and function (internally defined REVEL score threshold 0.5 < inconclusive < 0.7, PMID: 27666373). Splice site prediction tools suggest that this variant may not impact RNA splicing. To our knowledge, functional studies have not been performed for this variant. This variant has not been reported in individuals affected with hereditary cancer in the literature. This variant has been identified in 1/251054 chromosomes in the general population by the Genome Aggregation Database (gnomAD). The available evidence is insufficient to determine the role of this variant in disease conclusively. Therefore, this variant is classified as a Variant of Uncertain Significance.